The following is an entry in ClinVar:

NM_000057.4(BLM):c.4248C>G (p.Phe1416Leu)

Gene: BLM (BLM RecQ like helicase; plus strand). Cytogenetic location: 15q26.1.
Variant type: single nucleotide variant.
Coding change: c.4248C>G on transcript NM_000057.4 (MANE Select); coding-DNA position 4248, C replaced by G.
Protein change: p.Phe1416Leu; replaces phenylalanine 1416 with leucine.
Molecular consequence: missense variant.
Genome position (GRCh38, 1-based): chr15:90,815,273, C>G. VCF-style: chr15-90815273-C-G. GRCh37 (hg19) VCF-style: chr15-91358503-C-G.
Other names: c.4248C>G, p.Phe1416Leu (NM_001287246.2); c.3855C>G, p.Phe1285Leu (NM_001287247.2); c.3123C>G, p.Phe1041Leu (NM_001287248.2); short protein forms F1416L, F1041L, F1285L.
Identifiers: ClinVar variation 566599 (VCV000566599.9), dbSNP rs1567069125, ClinGen allele CA393853388.

ClinVar aggregate classification (germline): Uncertain significance (1 of 4 stars; one submission).

Conditions:
Bloom syndrome (BLM). Also called: Bloom-Torre-Machacek syndrome. Identifiers: Orphanet 125, MedGen C0005859, MONDO:0008876, OMIM 210900.

Submission:

Labcorp Genetics (formerly Invitae), Labcorp
Classification: Uncertain significance for Bloom syndrome. Last evaluated: 2023-10-16. Review status: criteria provided, single submitter. Criteria: Invitae Variant Classification Sherloc (09022015). Collection method: clinical testing. Allele origin: germline.
Comment: This sequence change replaces phenylalanine, which is neutral and non-polar, with leucine, which is neutral and non-polar, at codon 1416 of the BLM protein (p.Phe1416Leu). This variant is not present in population databases (gnomAD no frequency). This variant has not been reported in the literature in individuals affected with BLM-related conditions. ClinVar contains an entry for this variant (Variation ID: 566599). Algorithms developed to predict the effect of missense changes on protein structure and function output the following: SIFT: "Not Available"; PolyPhen-2: "Benign"; Align-GVGD: "Not Available". The leucine amino acid residue is found in multiple mammalian species, which suggests that this missense change does not adversely affect protein function. In summary, the available evidence is currently insufficient to determine the role of this variant in disease. Therefore, it has been classified as a Variant of Uncertain Significance.